The following is an entry in ClinVar:

ClinVar aggregate classification (germline): Uncertain significance. Review status: criteria provided, multiple submitters, no conflicts (2 of 4 stars). 4 submissions from 4 submitters: Uncertain significance (4). Last evaluated 2025-10-18.

Conditions:
Cardiovascular phenotype. Identifiers: MedGen CN230736.
Dilated cardiomyopathy 1JJ (CMD1JJ). Identifiers: Orphanet 154, MedGen C3808935, MONDO:0014095, OMIM 615235.

Allele frequency attached by ClinVar (database versions not stated): gnomAD 0.00005 and 0.00006; ExAC 0.00008; ESP Exome Variant Server 0.00008; TOPMed 0.00004.
gnomAD v4.1: 50 of 1,613,882 alleles (0.0031%); highest among the groups gnomAD compares: African/African-American, 0.0093%; no homozygotes.

Submissions (4):

Ambry Genetics
Classification: Uncertain significance for Cardiovascular phenotype. Last evaluated: 2025-10-18. Review status: criteria provided, single submitter. Criteria: Ambry Variant Classification Scheme 2023. Collection method: clinical testing. Allele origin: germline.

Labcorp Genetics (formerly Invitae), Labcorp
Classification: Uncertain significance for Dilated cardiomyopathy 1JJ. Last evaluated: 2025-05-15. Review status: criteria provided, single submitter. Criteria: Invitae Variant Classification Sherloc (09022015). Collection method: clinical testing. Allele origin: germline.
Comment: This sequence change replaces valine, which is neutral and non-polar, with isoleucine, which is neutral and non-polar, at codon 467 of the LAMA4 protein (p.Val467Ile). This variant is present in population databases (rs375981026, gnomAD 0.008%). This variant has not been reported in the literature in individuals affected with LAMA4-related conditions. ClinVar contains an entry for this variant (Variation ID: 213611). An algorithm developed to predict the effect of missense changes on protein structure and function (PolyPhen-2) suggests that this variant is likely to be disruptive. In summary, the available evidence is currently insufficient to determine the role of this variant in disease. Therefore, it has been classified as a Variant of Uncertain Significance.

Fulgent Genetics
Classification: Uncertain significance for Dilated cardiomyopathy 1JJ. Last evaluated: 2021-09-09. Review status: criteria provided, single submitter. Criteria: ACMG Guidelines, 2015. Collection method: clinical testing. Allele origin: unknown.

GeneDx
Classification: Uncertain significance. Last evaluated: 2018-12-04. Review status: criteria provided, single submitter. Criteria: GeneDx Variant Classification (06012015). Collection method: clinical testing. Allele origin: germline. Affected: yes.
Comment: p.Val467Ile (GTC>ATC): c.1399 G>A in exon 12 of the LAMA4 gene (NM_002290.3). A variant of unknown significance has been identified in the LAMA4 gene. The V467I variant has not been published as a mutation, nor has it been reported as a benign polymorphism to our knowledge. The V467I variant was not observed with any significant frequency in approximately 6,500 individuals of European and African American ancestry in the NHLBI Exome Sequencing Project, indicating it is not a common benign variant in these populations. The V467I variant is a conservative amino acid substitution, which is not likely to impact secondary protein structure as these residues share similar properties. This substitution occurs at a position that is mostly conserved across species; however, I467 is present in mammalian species including kangaroo rat and sloth. Therefore, in silico analysis is inconsistent in its predictions as to whether or not the variant is damaging to the protein structure/function. Therefore, based on the currently available information, it is unclear whether this variant is a pathogenic mutation or a rare benign variant. This variant was found in CARDIOMYOPATHY

NM_001105206.3(LAMA4):c.1420G>A (p.Val474Ile)

Gene: LAMA4 (laminin subunit alpha 4; minus strand). Cytogenetic location: 6q21.
Variant type: single nucleotide variant.
Coding change: c.1420G>A on transcript NM_001105206.3 (MANE Select); coding-DNA position 1420, G replaced by A.
Protein change: p.Val474Ile; replaces valine 474 with isoleucine.
Molecular consequence: missense variant.
Genome position (GRCh38, 1-based): chr6:112,172,742, C>T on the plus strand (G>A on the coding strand, the complement: LAMA4 is on the minus strand). VCF-style: chr6-112172742-C-T. GRCh37 (hg19) VCF-style: chr6-112493944-C-T.
Other names: p.V467I:GTC>ATC; c.1399G>A, p.Val467Ile (NM_001105207.3, NM_002290.5); short protein forms V467I, V474I.
Identifiers: ClinVar variation 213611 (VCV000213611.15), dbSNP rs375981026, ClinGen allele CA322741.